The following is an entry in ClinVar:

NM_020435.4(GJC2):c.966G>C (p.Ala322=)

Gene: GJC2 (gap junction protein gamma 2; plus strand). Cytogenetic location: 1q42.13.
Variant type: single nucleotide variant.
Coding change: c.966G>C on transcript NM_020435.4 (MANE Select); coding-DNA position 966, G replaced by C.
Protein change: p.Ala322=; no amino-acid change (alanine 322 retained).
Molecular consequence: synonymous variant.
Genome position (GRCh38, 1-based): chr1:228,158,724, G>C. VCF-style: chr1-228158724-G-C. GRCh37 (hg19) VCF-style: chr1-228346425-G-C.
Other names: p.Ala322=; c.966G>C (NM_020435.2).
Identifiers: ClinVar variation 261257 (VCV000261257.17), dbSNP rs4653910, ClinGen allele CA1430936.
Genomic context (GRCh38, chr1:228,158,724, plus strand): 5'-CGGCCCCCCGGCCTCCGCCCCCGCCCCCGCGCCGCGGCCCCCGCCCTGCGCCTTCCCTGC[G>C]GCGGCCGCTGGCTTGGCCTGCCCGCCCGACTACAGCCTGGTGGTGCGGGCGGCCGAGCGC-3'
Protein context (NP_065168.2, residues 312-332): APRPPPCAFP[Ala322=]AAAGLACPPD

ClinVar aggregate classification (germline): Benign. Review status: criteria provided, multiple submitters, no conflicts (2 of 4 stars). 8 submissions from 8 submitters: Benign (8). Last evaluated 2026-02-03.

Conditions:
Spastic paraplegia. Identifiers: MedGen C0037772, HP:0001258.
Hereditary spastic paraplegia. Also called: Familial spastic paraparesis. Identifiers: Orphanet 685, MedGen C0037773, MONDO:0019064. Disease mechanism: loss of function.

Allele frequency attached by ClinVar (database versions not stated): gnomAD exomes 0.04107; gnomAD 0.05014 and 0.05072; TOPMed 0.05256; 1000 Genomes Project 30x 0.06496; ExAC 0.08757.

Submissions (8):

Labcorp Genetics (formerly Invitae), Labcorp
Classification: Benign for Spastic paraplegia. Last evaluated: 2026-02-03. Review status: criteria provided, single submitter. Criteria: Invitae Variant Classification Sherloc (09022015). Collection method: clinical testing. Allele origin: germline.

Athena Diagnostics
Classification: Benign. Last evaluated: 2025-10-13. Review status: criteria provided, single submitter. Criteria: Athena Diagnostics Criteria. Collection method: clinical testing. Allele origin: unknown.
Comment: The frequency of this variant in the general population is higher than would generally be expected for pathogenic variants in this gene.

Blueprint Genetics
Classification: Benign. Last evaluated: 2024-11-26. Review status: criteria provided, single submitter. Criteria: ACMG Guidelines, 2015. Collection method: clinical testing. Allele origin: germline.

Mayo Clinic Laboratories, Mayo Clinic
Classification: Benign. Last evaluated: 2019-07-29. Review status: criteria provided, single submitter. Criteria: ACMG Guidelines, 2015. Collection method: clinical testing. Allele origin: germline. Observed: 102 variant alleles.

Genome Diagnostics Laboratory, The Hospital for Sick Children
Classification: Benign for Hereditary spastic paraplegia. Last evaluated: 2016-12-12. Review status: criteria provided, single submitter. Criteria: ACMG Guidelines, 2015. Collection method: clinical testing. Allele origin: germline. Affected: yes.

GeneDx
Classification: Benign. Last evaluated: 2016-04-22. Review status: criteria provided, single submitter. Criteria: GeneDx Variant Classification (06012015). Collection method: clinical testing. Allele origin: germline. Affected: yes.
Comment: This variant is considered likely benign or benign based on one or more of the following criteria: it is a conservative change, it occurs at a poorly conserved position in the protein, it is predicted to be benign by multiple in silico algorithms, and/or has population frequency not consistent with disease.

Breakthrough Genomics
Classification: Benign. Review status: criteria provided, single submitter. Criteria: ACMG Guidelines, 2015. Collection method: not provided. Allele origin: germline. Inheritance: Autosomal recessive inheritance. Affected: yes.

PreventionGenetics, part of Exact Sciences
Classification: Benign. Review status: criteria provided, single submitter. Criteria: ACMG Guidelines, 2015. Collection method: clinical testing. Allele origin: germline.